The following is an entry in ClinVar:

ClinVar aggregate classification (germline): Uncertain significance (1 of 4 stars; one submission).

Conditions:
Dilated cardiomyopathy 1G (CMD1G). Identifiers: Orphanet 154, MedGen C1858763, MONDO:0011400, OMIM 604145.
Autosomal recessive limb-girdle muscular dystrophy type 2J (LGMDR10). Also called: MUSCULAR DYSTROPHY, LIMB-GIRDLE, AUTOSOMAL RECESSIVE 10; Limb-girdle muscular dystrophy, type 2J. Identifiers: Orphanet 140922, MedGen C1837342, MONDO:0012127, OMIM 608807.

Submission:

Labcorp Genetics (formerly Invitae), Labcorp
Classification: Uncertain significance for Dilated cardiomyopathy 1G; Autosomal recessive limb-girdle muscular dystrophy type 2J. Last evaluated: 2022-12-27. Review status: criteria provided, single submitter. Criteria: Invitae Variant Classification Sherloc (09022015). Collection method: clinical testing. Allele origin: germline.
Comment: This variant is located in the M band of TTN (PMID: 25589632). Variants in this region may be relevant for neuromuscular disorders, but have not been definitively shown to cause cardiomyopathy (PMID: 23975875). In summary, the available evidence is currently insufficient to determine the role of this variant in disease. Therefore, it has been classified as a Variant of Uncertain Significance. Experimental studies and prediction algorithms are not available or were not evaluated, and the functional significance of this variant is currently unknown. This variant has not been reported in the literature in individuals affected with TTN-related conditions. This variant is not present in population databases (gnomAD no frequency). This sequence change replaces glycine, which is neutral and non-polar, with cysteine, which is neutral and slightly polar, at codon 34340 of the TTN protein (p.Gly34340Cys).

Literature cited by the submitters: PubMed 25589632; PubMed 23975875.

NM_001267550.2(TTN):c.103018G>T (p.Gly34340Cys)

Genes: TTN-AS1 (TTN antisense RNA 1; plus strand), TTN (titin; minus strand). Cytogenetic location: 2q31.2.
Variant type: single nucleotide variant.
Coding change: c.103018G>T on transcript NM_001267550.2 (MANE Select); coding-DNA position 103018, G replaced by T.
Protein change: p.Gly34340Cys; replaces glycine 34340 with cysteine.
Molecular consequence: missense variant.
Genome position (GRCh38, 1-based): chr2:178,533,597, C>A on the plus strand (G>T on the coding strand, the complement: TTN is on the minus strand). VCF-style: chr2-178533597-C-A. GRCh37 (hg19) VCF-style: chr2-179398324-C-A.
Other names: c.98095G>T, p.Gly32699Cys (NM_001256850.1); c.75823G>T, p.Gly25275Cys (NM_003319.4); c.95314G>T, p.Gly31772Cys (NM_133378.4); c.76198G>T, p.Gly25400Cys (NM_133432.3); c.76399G>T, p.Gly25467Cys (NM_133437.4); short protein forms G25275C, G25400C, G25467C, G34340C, G31772C, G32699C.
Identifiers: ClinVar variation 2942710 (VCV002942710.3), dbSNP rs2468499938, ClinGen allele CA349415481.